The following is an entry in ClinVar:

NM_004360.5(CDH1):c.532-17T>C

Gene: CDH1 (cadherin 1; plus strand). Cytogenetic location: 16q22.1.
Variant type: single nucleotide variant.
Coding change: c.532-17T>C on transcript NM_004360.5 (MANE Select); 17 bases into the intron before coding-DNA position 532, T replaced by C.
Molecular consequence: intron variant.
Genome position (GRCh38, 1-based): chr16:68,808,676, T>C. VCF-style: chr16-68808676-T-C. GRCh37 (hg19) VCF-style: chr16-68842579-T-C.
Other names: c.-1084-17T>C (NM_001317185.2); c.-1288-17T>C (NM_001317186.2); c.532-17T>C (NM_001317184.2).
Identifiers: ClinVar variation 2040581 (VCV002040581.5), dbSNP rs2152130017, ClinGen allele CA2580091927.

ClinVar aggregate classification (germline): Likely benign. Review status: criteria provided, multiple submitters, no conflicts (2 of 4 stars). 2 submissions from 2 submitters: Likely benign (2). Last evaluated 2024-09-13.

Conditions:
Hereditary diffuse gastric adenocarcinoma (HDGC). Also called: DIFFUSE GASTRIC AND LOBULAR BREAST CANCER SYNDROME. Identifiers: Orphanet 26106, MedGen C1708349, MONDO:0007648, OMIM 137215.

Submissions (2):

Myriad Genetics, Inc.
Classification: Likely benign for Hereditary diffuse gastric adenocarcinoma. Last evaluated: 2024-09-13. Review status: criteria provided, single submitter. Criteria: Myriad Autosomal Dominant, Autosomal Recessive and X-Linked Classification Criteria (2023). Collection method: clinical testing. Allele origin: unknown.
Comment: This variant is considered likely benign. This variant is intronic and is not expected to impact mRNA splicing.

Labcorp Genetics (formerly Invitae), Labcorp
Classification: Likely benign for Hereditary diffuse gastric adenocarcinoma. Last evaluated: 2023-12-31. Review status: criteria provided, single submitter. Criteria: Invitae Variant Classification Sherloc (09022015). Collection method: clinical testing. Allele origin: germline.